The following is an entry in ClinVar:

NM_000610.4(CD44):c.1122G>A (p.Glu374=)

Gene: CD44 (CD44 molecule (IN blood group); plus strand). Cytogenetic location: 11p13.
Variant type: single nucleotide variant.
Coding change: c.1122G>A on transcript NM_000610.4 (MANE Select); coding-DNA position 1122, G replaced by A.
Protein change: p.Glu374=; no amino-acid change (glutamic acid 374 retained).
Molecular consequence: synonymous variant. On other transcripts: intron variant (6).
Genome position (GRCh38, 1-based): chr11:35,201,756, G>A. VCF-style: chr11-35201756-G-A. GRCh37 (hg19) VCF-style: chr11-35223303-G-A.
Other names: c.993G>A, p.Glu331= (NM_001001389.2); c.668-6349G>A (NM_001001390.2); c.668-9490G>A (NM_001202555.2); c.667+11691G>A (NM_001001391.2, NM_001202556.2, NM_001202557.2); c.234-19949G>A (NM_001001392.2).
Identifiers: ClinVar variation 3056005 (VCV003056005.2), dbSNP rs11033026, ClinGen allele CA5946588.

ClinVar aggregate classification (germline): Benign (0 of 4 stars; one submission).

Conditions:
CD44-related disorder. Also called: CD44-related condition.

Allele frequency attached by ClinVar (database versions not stated): gnomAD exomes 0.00847; ExAC 0.02717; gnomAD 0.08364; ESP Exome Variant Server 0.09208; TOPMed 0.09342; 1000 Genomes Project 0.09445; 1000 Genomes Project 30x 0.10009.

Submission:

PreventionGenetics, part of Exact Sciences
Classification: Benign for CD44-related condition. Last evaluated: 2020-01-28. Review status: no assertion criteria provided. Collection method: clinical testing. Allele origin: germline.
Comment: This variant is classified as benign based on ACMG/AMP sequence variant interpretation guidelines (Richards et al. 2015 PMID: 25741868, with internal and published modifications).